The following is an entry in ClinVar:

ClinVar aggregate classification (germline): Pathogenic (1 of 4 stars; one submission).

Conditions:
Mucopolysaccharidosis type 6 (MPS6). Also called: N-ACETYLGALACTOSAMINE-4-SULFATASE DEFICIENCY; MPS VI; ARSB DEFICIENCY; ARYLSULFATASE B DEFICIENCY; MPS 6; Maroteaux Lamy syndrome. Identifiers: Orphanet 583, MedGen C0026709, MONDO:0009661, OMIM 253200.

Submission:

Labcorp Genetics (formerly Invitae), Labcorp
Classification: Pathogenic for Mucopolysaccharidosis type 6. Last evaluated: 2020-01-30. Review status: criteria provided, single submitter. Criteria: Invitae Variant Classification Sherloc (09022015). Collection method: clinical testing. Allele origin: germline.
Comment: For these reasons, this variant has been classified as Pathogenic. This variant results in an extension of the ARSB protein. Other variant(s) that result in a similarly extended protein product (p.Thr526Metfs*48) have been determined to be pathogenic (PMID: 8116615, 24677745). This suggests that these extensions are likely to be causative of disease. This variant has not been reported in the literature in individuals with ARSB-related conditions. This variant is not present in population databases (ExAC no frequency). This sequence change results in a frameshift in the ARSB gene (p.Arg520Alafs*54). While this is not anticipated to result in nonsense mediated decay, it is expected to disrupt the last 14 amino acids of the ARSB protein and extend the protein by an additional 39 amino acids.

Literature cited by the submitters: PubMed 8116615; PubMed 24677745.

NM_000046.5(ARSB):c.1558del (p.Arg520fs)

Gene: ARSB (arylsulfatase B; minus strand). Cytogenetic location: 5q14.1.
Variant type: Deletion.
Coding change: c.1558del on transcript NM_000046.5 (MANE Select); coding-DNA position 1558, one base deleted (C; older notation c.1558delC).
Protein change: p.Arg520fs; shifts the reading frame from arginine 520.
Molecular consequence: frameshift variant.
Genome position (GRCh38, 1-based): chr5:78,780,441, G deleted on the plus strand (C on the coding strand, the reverse complement: ARSB is on the minus strand); the first of 5 consecutive G bases (chr5:78,780,441-78,780,445); deleting any one gives the same sequence. VCF-style (leftmost placement, unchanged base first): chr5-78780440-CG-C. GRCh37 (hg19) VCF-style: chr5-78076263-CG-C.
Other names: short protein forms R520fs.
Identifiers: ClinVar variation 1068506 (VCV001068506.11), dbSNP rs1160897474, ClinGen allele CA2499217912.
Genomic context (GRCh38, chr5:78,780,440, plus strand): 5'-CTAGCCTCCCTGAAATCCTACATCCAAGGGCCCCACACCCCAGTGGCCTTGGGATCACAG[CG>C]GGGGTCCTGTGCAGGGAAGTACACGGGGACTGAGTGTTTATGGTAGAACTGTAGGCGGGA-3'